The following is an entry in ClinVar:

ClinVar aggregate classification (germline): Likely pathogenic (1 of 4 stars; one submission).

Submission:

Labcorp Genetics (formerly Invitae), Labcorp
Classification: Likely pathogenic. Last evaluated: 2023-01-31. Review status: criteria provided, single submitter. Criteria: Invitae Variant Classification Sherloc (09022015). Collection method: clinical testing. Allele origin: germline.
Comment: In summary, the currently available evidence indicates that the variant is pathogenic, but additional data are needed to prove that conclusively. Therefore, this variant has been classified as Likely Pathogenic. Algorithms developed to predict the effect of sequence changes on RNA splicing suggest that this variant may disrupt the consensus splice site. This variant has not been reported in the literature in individuals affected with ACAD9-related conditions. This variant is not present in population databases (gnomAD no frequency). This sequence change affects a donor splice site in intron 15 of the ACAD9 gene. It is expected to disrupt RNA splicing. Variants that disrupt the donor or acceptor splice site typically lead to a loss of protein function (PMID: 16199547), and loss-of-function variants in ACAD9 are known to be pathogenic (PMID: 25721401).

Literature cited by the submitters: PubMed 16199547; PubMed 25721401.

NM_014049.5(ACAD9):c.1563+2T>G

Gene: ACAD9 (acyl-CoA dehydrogenase family member 9; plus strand). Cytogenetic location: 3q21.3.
Variant type: single nucleotide variant.
Coding change: c.1563+2T>G on transcript NM_014049.5 (MANE Select); the canonical splice donor site of the intron after coding-DNA position 1563, T replaced by G.
Molecular consequence: splice donor variant.
Genome position (GRCh38, 1-based): chr3:128,909,423, T>G. VCF-style: chr3-128909423-T-G. GRCh37 (hg19) VCF-style: chr3-128628266-T-G.
Other names: c.1194+2T>G (NM_001410805.1).
Identifiers: ClinVar variation 2833110 (VCV002833110.3), dbSNP rs2529280379, ClinGen allele CA354438650.